The following is an entry in ClinVar:

NM_020843.4(SCAPER):c.959G>A (p.Gly320Glu)

Gene: SCAPER (S-phase cyclin A associated protein in the ER; minus strand). Cytogenetic location: 15q24.3.
Variant type: single nucleotide variant.
Coding change: c.959G>A on transcript NM_020843.4 (MANE Select); coding-DNA position 959, G replaced by A.
Protein change: p.Gly320Glu; replaces glycine 320 with glutamic acid.
Molecular consequence: missense variant. On other transcripts: non-coding transcript variant (1).
Genome position (GRCh38, 1-based): chr15:76,774,931, C>T on the plus strand (G>A on the coding strand, the complement: SCAPER is on the minus strand). VCF-style: chr15-76774931-C-T. GRCh37 (hg19) VCF-style: chr15-77067272-C-T.
Other names: c.221G>A, p.Gly74Glu (NM_001145923.2); c.959G>A, p.Gly320Glu (NM_001353009.2); c.557G>A, p.Gly186Glu (NM_001353010.2, NM_001353011.2, NM_001353012.2); short protein forms G320E, G74E, G186E.
Identifiers: ClinVar variation 4983278 (VCV004983278.1).

ClinVar aggregate classification (germline): Uncertain significance (1 of 4 stars; one submission).

Conditions:
SCAPER-related disorder. Also called: SCAPER-related condition.

Submission:

PreventionGenetics, part of Exact Sciences
Classification: Uncertain significance for SCAPER-related condition. Last evaluated: 2026-09-14. Review status: criteria provided, single submitter. Criteria: ACMG Guidelines, 2015. Collection method: clinical testing. Allele origin: germline.
Comment: The SCAPER c.959G>A variant is predicted to result in the amino acid substitution p.Gly320Glu. To our knowledge, this variant has not been reported in the literature or in a large population database (gnomAD), indicating this variant is rare. At this time, the clinical significance of this variant is uncertain due to the absence of conclusive functional and genetic evidence.